The following is an entry in ClinVar:

NM_000045.4(ARG1):c.603_604del (p.Glu202fs)

Genes: ARG1 (arginase 1; plus strand), MED23 (mediator complex subunit 23; minus strand). Cytogenetic location: 6q23.2.
Variant type: Deletion.
Coding change: c.603_604del on transcript NM_000045.4 (MANE Select); coding-DNA positions 603 to 604, 2 bases deleted (TG; older notation c.603_604delTG).
Protein change: p.Glu202fs; shifts the reading frame from glutamic acid 202.
Molecular consequence: frameshift variant. On other transcripts: non-coding transcript variant (1), intron variant (2).
Genome position (GRCh38, 1-based): chr6:131,583,102-131,583,103, TG deleted. VCF-style (leftmost placement, unchanged base first): chr6-131583101-CTG-C. GRCh37 (hg19) VCF-style: chr6-131904241-CTG-C.
Other names: c.627_628del, p.Glu210fs (NM_001244438.2); c.348_349del, p.Glu117fs (NM_001369020.1); c.4077+4606_4077+4607del (NM_001270521.2); c.4095+4606_4095+4607del (NM_015979.4); short protein forms E117fs, E202fs, E210fs.
Identifiers: ClinVar variation 1386013 (VCV001386013.7), dbSNP rs2114547911, ClinGen allele CA2573140621.

ClinVar aggregate classification (germline): Pathogenic. Review status: criteria provided, multiple submitters, no conflicts (2 of 4 stars). 2 submissions from 2 submitters: Pathogenic (2). Last evaluated 2025-07-29.

Conditions:
Arginase deficiency. Also called: ARGININEMIA; ARG1 DEFICIENCY; Arginase 1 Deficiency. Identifiers: Orphanet 90, MedGen C0268548, MONDO:0008814, OMIM 207800.

Submissions (2):

Myriad Genetics, Inc.
Classification: Pathogenic for Arginase deficiency. Last evaluated: 2025-07-29. Review status: criteria provided, single submitter. Criteria: Myriad Autosomal Dominant, Autosomal Recessive and X-Linked Classification Criteria (2023). Collection method: clinical testing. Allele origin: unknown.
Comment: NM_000045.3(ARG1):c.603_604delTG(E202Sfs*30) is a frameshift variant classified as pathogenic in the context of argininemia. E202Sfs*30 has been observed in a case with relevant disease (PMID: 27038030). Relevant functional assessments of this variant are not available in the literature. E202Sfs*30 has not been observed in referenced population frequency databases. In summary, NM_000045.3(ARG1):c.603_604delTG(E202Sfs*30) is a frameshift variant in a gene where loss of function is a known mechanism of disease, is predicted to disrupt protein function, and has been observed more frequently in cases with the relevant disease than in healthy populations. Please note: this variant was assessed in the context of healthy population screening.

Labcorp Genetics (formerly Invitae), Labcorp
Classification: Pathogenic for Arginase deficiency. Last evaluated: 2021-08-19. Review status: criteria provided, single submitter. Criteria: Invitae Variant Classification Sherloc (09022015). Collection method: clinical testing. Allele origin: germline.
Comment: This sequence change creates a premature translational stop signal (p.Glu202Serfs*30) in the ARG1 gene. It is expected to result in an absent or disrupted protein product. Loss-of-function variants in ARG1 are known to be pathogenic (PMID: 7649538, 12052859). For these reasons, this variant has been classified as Pathogenic. This premature translational stop signal has been observed in individual(s) with arginase deficiency (PMID: 27038030). This variant is not present in population databases (ExAC no frequency).

Literature cited by the submitters: PubMed 27038030 (cited by Myriad Genetics, Inc. and Labcorp Genetics (formerly Invitae), Labcorp); PubMed 7649538 (cited by Labcorp Genetics (formerly Invitae), Labcorp); PubMed 12052859 (cited by Labcorp Genetics (formerly Invitae), Labcorp).